The following is an entry in ClinVar:

NM_002788.4(PSMA3):c.659-15T>G

Genes: PSMA3 (proteasome 20S subunit alpha 3; plus strand), PSMA3-AS1 (PSMA3 antisense RNA 1; minus strand). Cytogenetic location: 14q23.1.
Variant type: single nucleotide variant.
Coding change: c.659-15T>G on transcript NM_002788.4 (MANE Select); 15 bases into the intron before coding-DNA position 659, T replaced by G.
Molecular consequence: intron variant.
Genome position (GRCh38, 1-based): chr14:58,270,919, T>G. VCF-style: chr14-58270919-T-G. GRCh37 (hg19) VCF-style: chr14-58737637-T-G.
Other names: c.638-15T>G (NM_152132.3).
Identifiers: ClinVar variation 2873976 (VCV002873976.3), dbSNP rs1378900517, ClinGen allele CA707209456.

ClinVar aggregate classification (germline): Uncertain significance (1 of 4 stars; one submission).

Allele frequency attached by ClinVar (database versions not stated): gnomAD exomes below 0.00001; gnomAD 0.00001; TOPMed 0.00001.
gnomAD v4.1: 3 of 1,578,648 alleles (0.00019%); highest among the groups gnomAD compares: Non-Finnish European, 0.00026%; no homozygotes.

Submission:

Labcorp Genetics (formerly Invitae), Labcorp
Classification: Uncertain significance. Last evaluated: 2025-01-30. Review status: criteria provided, single submitter. Criteria: Invitae Variant Classification Sherloc (09022015). Collection method: clinical testing. Allele origin: germline.
Comment: This sequence change falls in intron 9 of the PSMA3 gene. It does not directly change the encoded amino acid sequence of the PSMA3 protein. This variant is not present in population databases (gnomAD no frequency). This variant has not been reported in the literature in individuals affected with PSMA3-related conditions. ClinVar contains an entry for this variant (Variation ID: 2873976). Algorithms developed to predict the effect of sequence changes on RNA splicing suggest that this variant may disrupt the consensus splice site. In summary, the available evidence is currently insufficient to determine the role of this variant in disease. Therefore, it has been classified as a Variant of Uncertain Significance.